The following is an entry in ClinVar:

ClinVar aggregate classification (germline): Conflicting classifications of pathogenicity. Review status: criteria provided, conflicting classifications (1 of 4 stars). 2 submissions from 2 submitters: Uncertain significance (1); Likely benign (1). Last evaluated 2024-09-20.

Conditions:
Immunodeficiency 45 (IMD45). Identifiers: MedGen C4225252, MONDO:0014727, OMIM 616669.

Allele frequency attached by ClinVar (database versions not stated): ExAC 0.00001; gnomAD 0.00003; gnomAD exomes 0.00003 and 0.00005; TOPMed 0.00003; ESP Exome Variant Server 0.00008.

Submissions (2):

3billion
Classification: Likely benign for Immunodeficiency 45. Last evaluated: 2024-09-20. Review status: criteria provided, single submitter. Criteria: ACMG Guidelines, 2015. Collection method: clinical testing. Allele origin: germline. Affected: no.
Comment: The homozygous variant was found in patients diagnosed with another variant in a different gene, with no symptoms related to the gene containing the homozygous variant.

Labcorp Genetics (formerly Invitae), Labcorp
Classification: Uncertain significance. Last evaluated: 2022-08-08. Review status: criteria provided, single submitter. Criteria: Invitae Variant Classification Sherloc (09022015). Collection method: clinical testing. Allele origin: germline.
Comment: This sequence change replaces glycine, which is neutral and non-polar, with arginine, which is basic and polar, at codon 115 of the IFNAR2 protein (p.Gly115Arg). The frequency data for this variant in the population databases is considered unreliable, as metrics indicate poor data quality at this position in the gnomAD database. This variant has not been reported in the literature in individuals affected with IFNAR2-related conditions. ClinVar contains an entry for this variant (Variation ID: 1521930). Algorithms developed to predict the effect of missense changes on protein structure and function are either unavailable or do not agree on the potential impact of this missense change (SIFT: "Tolerated"; PolyPhen-2: "Probably Damaging"; Align-GVGD: "Class C0"). In summary, the available evidence is currently insufficient to determine the role of this variant in disease. Therefore, it has been classified as a Variant of Uncertain Significance.

NM_001289125.3(IFNAR2):c.343G>A (p.Gly115Arg)

Genes: IFNAR2 (interferon alpha and beta receptor subunit 2; plus strand), IFNAR2-IL10RB (IFNAR2-IL10RB readthrough; plus strand). Cytogenetic location: 21q22.11.
Variant type: single nucleotide variant.
Coding change: c.343G>A on transcript NM_001289125.3 (MANE Select); coding-DNA position 343, G replaced by A.
Protein change: p.Gly115Arg; replaces glycine 115 with arginine.
Molecular consequence: missense variant.
Genome position (GRCh38, 1-based): chr21:33,246,839, G>A. VCF-style: chr21-33246839-G-A. GRCh37 (hg19) VCF-style: chr21-34619144-G-A.
Other names: c.343G>A, p.Gly115Arg (NM_000874.5, NM_001289126.2, NM_001289128.2 and 4 more transcripts); short protein forms G115R.
Identifiers: ClinVar variation 1521930 (VCV001521930.6), dbSNP rs150825310, ClinGen allele CA10005624.